The following is an entry in ClinVar:

NM_177438.3(DICER1):c.3585C>T (p.Asp1195=)

Gene: DICER1 (dicer 1, ribonuclease III; minus strand). Cytogenetic location: 14q32.13.
Variant type: single nucleotide variant.
Coding change: c.3585C>T on transcript NM_177438.3 (MANE Select); coding-DNA position 3585, C replaced by T.
Protein change: p.Asp1195=; no amino-acid change (aspartic acid 1195 retained).
Molecular consequence: synonymous variant.
Genome position (GRCh38, 1-based): chr14:95,103,811, G>A on the plus strand (C>T on the coding strand, the complement: DICER1 is on the minus strand). VCF-style: chr14-95103811-G-A. GRCh37 (hg19) VCF-style: chr14-95570148-G-A.
Other names: c.3585C>T, p.Asp1195= (NM_001195573.1, NM_001271282.3, NM_001291628.2 and 1 more transcripts).
Identifiers: ClinVar variation 1098044 (VCV001098044.13), dbSNP rs372344332, ClinGen allele CA7331022.

ClinVar aggregate classification (germline): Benign/Likely benign. Review status: criteria provided, multiple submitters, no conflicts (2 of 4 stars). 3 submissions from 3 submitters: Benign (1); Likely benign (2). Last evaluated 2026-04-17.

Conditions:
DICER1-related tumor predisposition. Also called: DICER1 syndrome; DICER1-related pleuropulmonary blastoma cancer predisposition syndrome. Identifiers: Orphanet 284343, MedGen C3839822, MONDO:0100216.
Hereditary cancer-predisposing syndrome. Also called: Neoplastic Syndromes, Hereditary; Tumor predisposition; Hereditary Cancer Syndrome; Hereditary neoplastic syndrome. Identifiers: Orphanet 140162, MedGen C0027672, MeSH D009386, MONDO:0015356.

Allele frequency attached by ClinVar (database versions not stated): gnomAD exomes below 0.00001; ESP Exome Variant Server 0.00008; ExAC 0.00001.

Submissions (3):

Myriad Genetics, Inc.
Classification: Benign for DICER1-related tumor predisposition. Last evaluated: 2026-04-17. Review status: criteria provided, single submitter. Criteria: Myriad Autosomal Dominant, Autosomal Recessive and X-Linked Classification Criteria (2023). Collection method: clinical testing. Allele origin: unknown.
Comment: This variant is considered benign. This variant is a silent/synonymous amino acid change and it is not expected to impact splicing.

Labcorp Genetics (formerly Invitae), Labcorp
Classification: Likely benign for DICER1-related tumor predisposition. Last evaluated: 2024-08-01. Review status: criteria provided, single submitter. Criteria: Invitae Variant Classification Sherloc (09022015). Collection method: clinical testing. Allele origin: germline.

Ambry Genetics
Classification: Likely benign for Hereditary cancer-predisposing syndrome. Last evaluated: 2019-11-01. Review status: criteria provided, single submitter. Criteria: Ambry Variant Classification Scheme 2023. Collection method: clinical testing. Allele origin: germline.